The following is an entry in ClinVar:

NM_000161.3(GCH1):c.138C>A (p.Ser46Arg)

Gene: GCH1 (GTP cyclohydrolase 1; minus strand). Cytogenetic location: 14q22.2.
Variant type: single nucleotide variant.
Coding change: c.138C>A on transcript NM_000161.3 (MANE Select); coding-DNA position 138, C replaced by A.
Protein change: p.Ser46Arg; replaces serine 46 with arginine.
Molecular consequence: missense variant.
Genome position (GRCh38, 1-based): chr14:54,902,526, G>T on the plus strand (C>A on the coding strand, the complement: GCH1 is on the minus strand). VCF-style: chr14-54902526-G-T. GRCh37 (hg19) VCF-style: chr14-55369244-G-T.
Other names: c.138C>A, p.Ser46Arg (NM_001024024.2, NM_001024070.2, NM_001024071.2 and 1 more transcripts); short protein forms S46R.
Identifiers: ClinVar variation 2949710 (VCV002949710.4), dbSNP rs1239964950, ClinGen allele CA389794197.

ClinVar aggregate classification (germline): Uncertain significance. Review status: criteria provided, multiple submitters, no conflicts (2 of 4 stars). 2 submissions from 2 submitters: Uncertain significance (2). Last evaluated 2023-07-09.

Conditions:
GTP cyclohydrolase I deficiency. Identifiers: MedGen C0268467, MONDO:0100184.
Dystonia 5 (DRD). Also called: DYSTONIA, PROGRESSIVE, WITH DIURNAL VARIATION; DYSTONIA-PARKINSONISM WITH DIURNAL FLUCTUATION; GTP Cyclohydrolase 1-Deficient Dopa-Responsive Dystonia; DYT-GCH1; Dystonia, DOPA-responsive, with or without hyperphenylalaninemia. Identifiers: Orphanet 98808, MedGen C1851920, MONDO:0007495, OMIM 128230.

Submissions (2):

Labcorp Genetics (formerly Invitae), Labcorp
Classification: Uncertain significance for GTP cyclohydrolase I deficiency; Dystonia 5. Last evaluated: 2023-07-09. Review status: criteria provided, single submitter. Criteria: Invitae Variant Classification Sherloc (09022015). Collection method: clinical testing. Allele origin: germline.
Comment: This sequence change replaces serine, which is neutral and polar, with arginine, which is basic and polar, at codon 46 of the GCH1 protein (p.Ser46Arg). In summary, the available evidence is currently insufficient to determine the role of this variant in disease. Therefore, it has been classified as a Variant of Uncertain Significance. Advanced modeling of protein sequence and biophysical properties (such as structural, functional, and spatial information, amino acid conservation, physicochemical variation, residue mobility, and thermodynamic stability) performed at Invitae indicates that this missense variant is not expected to disrupt GCH1 protein function. This variant has not been reported in the literature in individuals affected with GCH1-related conditions. This variant is not present in population databases (gnomAD no frequency).

Neuberg Centre For Genomic Medicine, NCGM
Classification: Uncertain significance for Dystonia 5. Review status: criteria provided, single submitter. Criteria: ACMG Guidelines, 2015. Collection method: clinical testing. Allele origin: germline. Inheritance: Autosomal dominant inheritance. Affected: yes.
Comment: The missense c.138C>A p.Ser46Arg variant in GCH1 gene has not been reported previously as a pathogenic variant nor as a benign variant, to our knowledge. The p.Ser46Arg variant is absent in gnomAD Exomes. This variant has not been submitted to the ClinVar database. Computational evidence Polyphen - Benign, SIFT - Tolerated and MutationTaster - Disease causing predicts conflicting evidence on protein structure and function for this variant. The reference amino acid at this position on GCH1 is predicted as conserved by GERP++ and PhyloP across 100 vertebrates. The amino acid Ser at position 46 is changed to a Arg changing protein sequence and it might alter its composition and physico-chemical properties. For these reasons, this variant has been classified as a Variant of Uncertain Significance VUS.